The following is an entry in ClinVar:

ClinVar aggregate classification (germline): Likely pathogenic (1 of 4 stars; one submission).

Conditions:
Hereditary cancer-predisposing syndrome. Also called: Hereditary Cancer Syndrome; Hereditary neoplastic syndrome; Neoplastic Syndromes, Hereditary; Tumor predisposition. Identifiers: Orphanet 140162, MedGen C0027672, MeSH D009386, MONDO:0015356.

Submission:

Ambry Genetics
Classification: Likely pathogenic for Hereditary cancer-predisposing syndrome. Last evaluated: 2022-06-28. Review status: criteria provided, single submitter. Criteria: Ambry Variant Classification Scheme 2023. Collection method: clinical testing. Allele origin: germline.
Comment: The c.609delG variant, located in coding exon 3 of the XRCC2 gene, results from a deletion of one nucleotide at nucleotide position 609, causing a translational frameshift with a predicted alternate stop codon (p.S204Afs*18). This alteration occurs at the 3' terminus of theXRCC2 gene, is not expected to trigger nonsense-mediated mRNA decay, and only impacts the last 77 amino acids, 27%, of the protein. However, premature stop codons are typically deleterious in nature and a significant portion of the protein is affected (Ambry internal data). Based on the majority of available evidence to date, this variant is likely to be pathogenic.

NM_005431.2(XRCC2):c.609del (p.Ser204fs)

Gene: XRCC2 (X-ray repair cross complementing 2; minus strand). Cytogenetic location: 7q36.1.
Variant type: Deletion.
Coding change: c.609del on transcript NM_005431.2 (MANE Select); coding-DNA position 609, one base deleted (G; older notation c.609delG).
Protein change: p.Ser204fs; shifts the reading frame from serine 204.
Molecular consequence: frameshift variant.
Genome position (GRCh38, 1-based): chr7:152,648,876, C deleted on the plus strand (G on the coding strand, the reverse complement: XRCC2 is on the minus strand). VCF-style (leftmost placement, unchanged base first): chr7-152648875-TC-T. GRCh37 (hg19) VCF-style: chr7-152345960-TC-T.
Other names: short protein forms S204fs.
Identifiers: ClinVar variation 1751566 (VCV001751566.2), dbSNP rs2485880908, ClinGen allele CA2580077740.